The following is an entry in ClinVar:

NM_025137.4(SPG11):c.409G>A (p.Ala137Thr)

Gene: SPG11 (SPG11 vesicle trafficking associated, spatacsin; minus strand). Cytogenetic location: 15q21.1.
Variant type: single nucleotide variant.
Coding change: c.409G>A on transcript NM_025137.4 (MANE Select); coding-DNA position 409, G replaced by A.
Protein change: p.Ala137Thr; replaces alanine 137 with threonine.
Molecular consequence: missense variant.
Genome position (GRCh38, 1-based): chr15:44,660,465, C>T on the plus strand (G>A on the coding strand, the complement: SPG11 is on the minus strand). VCF-style: chr15-44660465-C-T. GRCh37 (hg19) VCF-style: chr15-44952663-C-T.
Other names: c.409G>A, p.Ala137Thr (NM_001160227.2); short protein forms A137T.
Identifiers: ClinVar variation 1481540 (VCV001481540.3), dbSNP rs1218211158, ClinGen allele CA392238132.
Genomic context (GRCh38, chr15:44,660,465, plus strand): 5'-GCTGAAAGACCACCTGTAGATACTTACTGATATCTTGATCGTCAATGAGCTTTTGCAATG[C>T]CTCCCTACTACAGCTATACAAAATGGTTGCATCACATCTTCCATCTTTCAAATTAAATTC-3'
Protein context (NP_079413.3, residues 127-147): ATILYSCSRE[Ala137Thr]LQKLIDDQDI

ClinVar aggregate classification (germline): Uncertain significance (1 of 4 stars; one submission).

Conditions:
Hereditary spastic paraplegia 11. Also called: Autosomal recessive hereditary spastic paraplegia, mental impairment, and thin corpus callosum; SPASTIC PARAPLEGIA, AUTOSOMAL RECESSIVE, COMPLICATED, WITH THIN CORPUS CALLOSUM; SPASTIC PARAPLEGIA, AUTOSOMAL RECESSIVE, WITH MENTAL IMPAIRMENT AND THIN CORPUS CALLOSUM; Spastic paraplegia, mental retardation and thin corpus callosum; Spastic Paraplegia 11; Nakamura Osame syndrome. Identifiers: Orphanet 2822, MedGen C1858479, MONDO:0011445, OMIM 604360.

Submission:

Labcorp Genetics (formerly Invitae), Labcorp
Classification: Uncertain significance for Hereditary spastic paraplegia 11. Last evaluated: 2021-09-20. Review status: criteria provided, single submitter. Criteria: Invitae Variant Classification Sherloc (09022015). Collection method: clinical testing. Allele origin: germline.
Comment: This sequence change replaces alanine with threonine at codon 137 of the SPG11 protein (p.Ala137Thr). The alanine residue is weakly conserved and there is a small physicochemical difference between alanine and threonine. This variant is not present in population databases (ExAC no frequency). This variant has not been reported in the literature in individuals affected with SPG11-related conditions. Algorithms developed to predict the effect of missense changes on protein structure and function output the following: SIFT: "Tolerated"; PolyPhen-2: "Benign"; Align-GVGD: "Class C0". The threonine amino acid residue is found in multiple mammalian species, which suggests that this missense change does not adversely affect protein function. In summary, the available evidence is currently insufficient to determine the role of this variant in disease. Therefore, it has been classified as a Variant of Uncertain Significance.